The following is an entry in ClinVar:

ClinVar aggregate classification (germline): Uncertain significance. Review status: criteria provided, multiple submitters, no conflicts (2 of 4 stars). 2 submissions from 2 submitters: Uncertain significance (2). Last evaluated 2023-12-08.

Conditions:
Autosomal dominant Parkinson disease 8. Also called: LRRK2-Related Parkinson Disease; Parkinson disease 8; Parkinson disease 8, susceptibility to. Identifiers: Orphanet 411602, MedGen C1846862, MONDO:0011764, OMIM 607060.
Inborn genetic diseases. Identifiers: MedGen C0950123, MeSH D030342.

Allele frequency attached by ClinVar (database versions not stated): gnomAD 0.00001.
gnomAD v4.1: 2 of 1,611,058 alleles (0.00012%); highest among the groups gnomAD compares: Admixed American, 0.0017%; no homozygotes.

Submissions (2):

Labcorp Genetics (formerly Invitae), Labcorp
Classification: Uncertain significance for Autosomal dominant Parkinson disease 8. Last evaluated: 2023-12-08. Review status: criteria provided, single submitter. Criteria: Invitae Variant Classification Sherloc (09022015). Collection method: clinical testing. Allele origin: germline.
Comment: This sequence change replaces serine, which is neutral and polar, with leucine, which is neutral and non-polar, at codon 926 of the LRRK2 protein (p.Ser926Leu). This variant is not present in population databases (gnomAD no frequency). This variant has not been reported in the literature in individuals affected with LRRK2-related conditions. ClinVar contains an entry for this variant (Variation ID: 1795862). An algorithm developed to predict the effect of missense changes on protein structure and function (PolyPhen-2) suggests that this variant is likely to be tolerated. In summary, the available evidence is currently insufficient to determine the role of this variant in disease. Therefore, it has been classified as a Variant of Uncertain Significance.

Ambry Genetics
Classification: Uncertain significance for Inborn genetic diseases. Last evaluated: 2021-09-15. Review status: criteria provided, single submitter. Criteria: Ambry Variant Classification Scheme 2023. Collection method: clinical testing. Allele origin: germline.
Comment: The p.S926L variant (also known as c.2777C>T), located in coding exon 21 of the LRRK2 gene, results from a C to T substitution at nucleotide position 2777. The serine at codon 926 is replaced by leucine, an amino acid with dissimilar properties. This amino acid position is conserved. In addition, this alteration is predicted to be deleterious by in silico analysis. Since supporting evidence is limited at this time, the clinical significance of this alteration remains unclear.

NM_198578.4(LRRK2):c.2777C>T (p.Ser926Leu)

Gene: LRRK2 (leucine rich repeat kinase 2; plus strand). Cytogenetic location: 12q12.
Variant type: single nucleotide variant.
Coding change: c.2777C>T on transcript NM_198578.4 (MANE Select); coding-DNA position 2777, C replaced by T.
Protein change: p.Ser926Leu; replaces serine 926 with leucine.
Molecular consequence: missense variant.
Genome position (GRCh38, 1-based): chr12:40,293,632, C>T. VCF-style: chr12-40293632-C-T. GRCh37 (hg19) VCF-style: chr12-40687434-C-T.
Other names: short protein forms S926L.
Identifiers: ClinVar variation 1795862 (VCV001795862.5), dbSNP rs1944250276, ClinGen allele CA384410998.